The following is an entry in ClinVar:

NM_001111.5(ADAR):c.1871A>G (p.His624Arg)

Gene: ADAR (adenosine deaminase RNA specific; minus strand). Cytogenetic location: 1q21.3.
Variant type: single nucleotide variant.
Coding change: c.1871A>G on transcript NM_001111.5 (MANE Select); coding-DNA position 1871, A replaced by G.
Protein change: p.His624Arg; replaces histidine 624 with arginine.
Molecular consequence: missense variant.
Genome position (GRCh38, 1-based): chr1:154,597,891, T>C on the plus strand (A>G on the coding strand, the complement: ADAR is on the minus strand). VCF-style: chr1-154597891-T-C. GRCh37 (hg19) VCF-style: chr1-154570367-T-C.
Other names: c.986A>G, p.His329Arg (NM_001025107.3, NM_001193495.2, NM_001365046.1 and 3 more transcripts); c.1898A>G, p.His633Arg (NM_001365045.1); c.1871A>G, p.His624Arg (NM_015840.4, NM_015841.4); short protein forms H329R, H633R, H624R.
Identifiers: ClinVar variation 1347741 (VCV001347741.5), dbSNP rs1423795702, ClinGen allele CA342638710.

ClinVar aggregate classification (germline): Uncertain significance (1 of 4 stars; one submission).

Conditions:
Symmetrical dyschromatosis of extremities (DSH). Also called: DYSCHROMATOSIS SYMMETRICA HEREDITARIA 1; RETICULATE ACROPIGMENTATION OF DOHI; SYMMETRIC DYSCHROMATOSIS OF THE EXTREMITIES; Dyschromatosis symmetrica hereditaria. Identifiers: Orphanet 41, MedGen C0406775, MONDO:0007483, OMIM 127400.
Aicardi-Goutieres syndrome 6 (AGS6). Identifiers: Orphanet 51, MedGen C3539013, MONDO:0014007, OMIM 615010.

Allele frequency attached by ClinVar (database versions not stated): gnomAD exomes below 0.00001 and 0.00001; TOPMed below 0.00001.
gnomAD v4.1: 4 of 1,614,118 alleles (0.00025%); highest among the groups gnomAD compares: Non-Finnish European, 0.00034%; no homozygotes.

Submission:

Labcorp Genetics (formerly Invitae), Labcorp
Classification: Uncertain significance for Aicardi-Goutieres syndrome 6; Symmetrical dyschromatosis of extremities. Last evaluated: 2021-09-24. Review status: criteria provided, single submitter. Criteria: Invitae Variant Classification Sherloc (09022015). Collection method: clinical testing. Allele origin: germline.
Comment: This sequence change replaces histidine with arginine at codon 624 of the ADAR protein (p.His624Arg). The histidine residue is moderately conserved and there is a small physicochemical difference between histidine and arginine. This variant is not present in population databases (ExAC no frequency). This variant has not been reported in the literature in individuals with ADAR-related conditions. Algorithms developed to predict the effect of missense changes on protein structure and function (SIFT, PolyPhen-2, Align-GVGD) all suggest that this variant is likely to be tolerated, but these predictions have not been confirmed by published functional studies and their clinical significance is uncertain. In summary, the available evidence is currently insufficient to determine the role of this variant in disease. Therefore, it has been classified as a Variant of Uncertain Significance.